The following is an entry in ClinVar:

NC_000016.10:g.(?_68737406)_(68833509_?)del

Genes: CDH1 (cadherin 1; plus strand), LOC128772407 (melanoma risk locus-associated MPRA allelic enhancer 16:68803726; plus strand), LOC128772411 (melanoma risk locus-associated MPRA allelic enhancer 16:68818245; plus strand), LOC128772412 (melanoma risk locus-associated MPRA allelic enhancer 16:68818709; plus strand), LOC128772413 (melanoma risk locus-associated MPRA allelic enhancer 16:68820718; plus strand) and 21 more. Cytogenetic location: 16q22.1.
Variant type: Deletion.
Identifiers: ClinVar variation 653530 (VCV000653530.2).

ClinVar aggregate classification (germline): Pathogenic (1 of 4 stars; one submission).

Conditions:
Hereditary diffuse gastric adenocarcinoma (HDGC). Also called: DIFFUSE GASTRIC AND LOBULAR BREAST CANCER SYNDROME. Identifiers: Orphanet 26106, MedGen C1708349, MONDO:0007648, OMIM 137215.

Submission:

Labcorp Genetics (formerly Invitae), Labcorp
Classification: Pathogenic for Hereditary diffuse gastric cancer. Last evaluated: 2019-05-13. Review status: criteria provided, single submitter. Criteria: Invitae Variant Classification Sherloc (09022015). Collection method: clinical testing. Allele origin: germline.
Comment: A gross deletion of the genomic region encompassing the full coding sequence of the CDH1 gene has been identified. The boundaries of this event are unknown as the deletion extends beyond the assayed region for this gene and therefore may encompass additional genes. A similar copy number variant has been observed in an individual affected with esophagogastric cancer (PMID: 26556299). Loss-of-function variants in CDH1 are known to be pathogenic (PMID: 15235021, 20373070). For these reasons, this variant has been classified as Pathogenic.

Literature cited by the submitters: PubMed 26556299.